The following is an entry in ClinVar:

ClinVar aggregate classification (germline): Uncertain significance. Review status: criteria provided, multiple submitters, no conflicts (2 of 4 stars). 2 submissions from 2 submitters: Uncertain significance (2). Last evaluated 2023-08-24.

Allele frequency attached by ClinVar (database versions not stated): gnomAD exomes below 0.00001; gnomAD 0.00001; TOPMed 0.00002.
gnomAD v4.1: 2 of 1,614,126 alleles (0.00012%); highest among the groups gnomAD compares: African/African-American, 0.0027%; no homozygotes.

Submissions (2):

Labcorp Genetics (formerly Invitae), Labcorp
Classification: Uncertain significance. Last evaluated: 2023-08-24. Review status: criteria provided, single submitter. Criteria: Invitae Variant Classification Sherloc (09022015). Collection method: clinical testing. Allele origin: germline.
Comment: This sequence change replaces serine, which is neutral and polar, with cysteine, which is neutral and slightly polar, at codon 443 of the RUSC2 protein (p.Ser443Cys). This variant is present in population databases (no rsID available, gnomAD 0.007%). This variant has not been reported in the literature in individuals affected with RUSC2-related conditions. ClinVar contains an entry for this variant (Variation ID: 1426236). An algorithm developed to predict the effect of missense changes on protein structure and function (PolyPhen-2) suggests that this variant is likely to be disruptive. In summary, the available evidence is currently insufficient to determine the role of this variant in disease. Therefore, it has been classified as a Variant of Uncertain Significance.

Ambry Genetics
Classification: Uncertain significance. Last evaluated: 2023-03-07. Review status: criteria provided, single submitter. Criteria: Ambry Variant Classification Scheme 2023. Collection method: clinical testing. Allele origin: germline.

NM_014806.5(RUSC2):c.1328C>G (p.Ser443Cys)

Gene: RUSC2 (RUN and SH3 domain containing 2; plus strand). Cytogenetic location: 9p13.3.
Variant type: single nucleotide variant.
Coding change: c.1328C>G on transcript NM_014806.5 (MANE Select); coding-DNA position 1328, C replaced by G.
Protein change: p.Ser443Cys; replaces serine 443 with cysteine.
Molecular consequence: missense variant. On other transcripts: non-coding transcript variant (1), intron variant (1).
Genome position (GRCh38, 1-based): chr9:35,547,849, C>G. VCF-style: chr9-35547849-C-G. GRCh37 (hg19) VCF-style: chr9-35547846-C-G.
Other names: c.1328C>G, p.Ser443Cys (NM_001135999.2); c.-620-7211C>G (NM_001330740.2); c.1328C>G (NM_001135999.1); short protein forms S443C.
Identifiers: ClinVar variation 1426236 (VCV001426236.7), dbSNP rs1348182384, ClinGen allele CA373332538.
Genomic context (GRCh38, chr9:35,547,849, plus strand): 5'-AACACACCAAGATAAGTCCCCCACCAGGCCCTGGCCCAGACCCAGGCCCCAGCCAGCCCT[C>G]TGAGTATTACCTATTCCAGAAGCCAGAAGTCCAGCCAGAGGAACAAGAAGCAGTGAGTTC-3'
Protein context (NP_055621.2, residues 433-453): PGPDPGPSQP[Ser443Cys]EYYLFQKPEV